The following is an entry in ClinVar:

NM_007294.4(BRCA1):c.3672del (p.Cys1225fs)

Genes: BRCA1 (BRCA1 DNA repair associated; minus strand), LOC126862571 (BRD4-independent group 4 enhancer GRCh37_chr17:41243136-41244335; plus strand). Cytogenetic location: 17q21.31.
Variant type: Deletion.
Coding change: c.3672del on transcript NM_007294.4 (MANE Select); coding-DNA position 3672, one base deleted (C; older notation c.3672delC).
Protein change: p.Cys1225fs; shifts the reading frame from cysteine 1225.
Molecular consequence: frameshift variant. On other transcripts: intron variant (135).
Genome position (GRCh38, 1-based): chr17:43,091,859, G deleted on the plus strand (C on the coding strand, the reverse complement: BRCA1 is on the minus strand); the first of 3 consecutive G bases (chr17:43,091,859-43,091,861); deleting any one gives the same sequence. VCF-style (leftmost placement, unchanged base first): chr17-43091858-AG-A. GRCh37 (hg19) VCF-style: chr17-41243875-AG-A.
Other names: 3791DELC; c.3669del, p.Cys1224fs (NM_001407613.1, NM_001407614.1, NM_001407615.1 and 22 more transcripts); c.3672del, p.Cys1225fs (NM_001407616.1, NM_001407617.1, NM_001407618.1 and 30 more transcripts); c.3663del, p.Cys1222fs (NM_001407646.1, NM_001407647.1); c.3549del, p.Cys1184fs (NM_001407648.1, NM_001407664.1, NM_001407665.1 and 19 more transcripts); c.3546del, p.Cys1183fs (NM_001407649.1, NM_001407670.1, NM_001407671.1 and 11 more transcripts); c.3594del, p.Cys1199fs (NM_001407653.1, NM_001407654.1, NM_001407655.1 and 4 more transcripts); c.3591del, p.Cys1198fs (NM_001407659.1, NM_001407660.1, NM_001407661.1 and 1 more transcripts); and 43 more; short protein forms C1178fs, C1225fs, C1113fs, C1136fs, C1154fs, C1155fs, C1177fs, C1183fs.
Identifiers: ClinVar variation 91612 (VCV000091612.24), dbSNP rs398122677, ClinGen allele CA002352.

ClinVar aggregate classification (germline): Pathogenic. Review status: reviewed by expert panel (3 of 4 stars). 11 submissions from 11 submitters: Pathogenic (1). 10 of the submissions do not count toward it. Last evaluated 2016-09-08.

Conditions:
Peritoneum cancer. Identifiers: MedGen C0153467, MONDO:0002087.
Hereditary cancer-predisposing syndrome. Also called: Hereditary Cancer Syndrome; Hereditary neoplastic syndrome; Neoplastic Syndromes, Hereditary; Tumor predisposition. Identifiers: Orphanet 140162, MedGen C0027672, MeSH D009386, MONDO:0015356.
Hereditary breast ovarian cancer syndrome. Also called: BRCA1- and BRCA2-Associated Hereditary Breast and Ovarian Cancer; Hereditary breast and ovarian cancer syndrome; Hereditary breast and ovarian cancer syndrome (HBOC); Breast and ovarian cancer; Hereditary breast and/or ovarian cancer syndrome; Hereditary breast and ovarian cancer. Identifiers: Orphanet 145, MedGen C0677776, MeSH D061325, MONDO:0003582. Disease mechanism: loss of function.
Breast-ovarian cancer, familial, susceptibility to, 1 (BROVCA1). Also called: BRCA1 Hereditary Breast and Ovarian Cancer; OVARIAN CANCER, SUSCEPTIBILITY TO. Identifiers: Orphanet 145, MedGen C2676676, MONDO:0011450, OMIM 604370. Disease mechanism: loss of function.

Submissions (11):

Evidence-based Network for the Interpretation of Germline Mutant Alleles (ENIGMA)
Classification: Pathogenic for Breast-ovarian cancer, familial, susceptibility to, 1. Last evaluated: 2016-09-08. Review status: reviewed by expert panel. Criteria: ENIGMA BRCA1/2 Classification Criteria (2015). Collection method: curation. Allele origin: germline.
Comment: Variant allele predicted to encode a truncated non-functional protein.

Labcorp Genetics (formerly Invitae), Labcorp
Classification: Pathogenic for Hereditary breast ovarian cancer syndrome. Last evaluated: 2025-11-25. Review status: criteria provided, single submitter. Criteria: Invitae Variant Classification Sherloc (09022015). Collection method: clinical testing. Allele origin: germline. Not counted in ClinVar's aggregate classification.
Comment: This sequence change creates a premature translational stop signal (p.Cys1225Alafs*10) in the BRCA1 gene. It is expected to result in an absent or disrupted protein product. Loss-of-function variants in BRCA1 are known to be pathogenic (PMID: 20104584). This variant is not present in population databases (gnomAD no frequency). This variant has not been reported in the literature in individuals affected with BRCA1-related conditions. ClinVar contains an entry for this variant (Variation ID: 91612). For these reasons, this variant has been classified as Pathogenic.

Ambry Genetics
Classification: Pathogenic for Hereditary cancer-predisposing syndrome. Last evaluated: 2024-09-26. Review status: criteria provided, single submitter. Criteria: Ambry Variant Classification Scheme 2023. Collection method: clinical testing. Allele origin: germline. Not counted in ClinVar's aggregate classification.
Comment: The c.3672delC pathogenic mutation, located in coding exon 9 of the BRCA1 gene, results from a deletion of one nucleotide at nucleotide position 3672, causing a translational frameshift with a predicted alternate stop codon (p.C1225Afs*10). This variant is considered to be rare based on population cohorts in the Genome Aggregation Database (gnomAD). This alteration is expected to result in loss of function by premature protein truncation or nonsense-mediated mRNA decay. As such, this alteration is interpreted as a disease-causing mutation.

Institute for Biomarker Research, Medical Diagnostic Laboratories, L.L.C.
Classification: Pathogenic for Hereditary breast ovarian cancer syndrome. Last evaluated: 2024-06-11. Review status: criteria provided, single submitter. Criteria: ACMG Guidelines, 2015. Collection method: clinical testing. Allele origin: germline. Not counted in ClinVar's aggregate classification.

Quest Diagnostics Nichols Institute San Juan Capistrano
Classification: Pathogenic. Last evaluated: 2023-06-14. Review status: criteria provided, single submitter. Criteria: Quest Diagnostics criteria. Collection method: clinical testing. Allele origin: unknown. Not counted in ClinVar's aggregate classification.
Comment: This variant alters the translational reading frame of the BRCA1 mRNA and causes the premature termination of BRCA1 protein synthesis. In the published literature, this variant has been reported in a hereditary cancer testing cohort (PMID: 31853058 (2020)). It has also been reported in a single family in a large-scale BRCA1/BRCA2 mutation carrier screen (PMID: 29446198 (2018)). This variant has not been reported in large, multi-ethnic general populations (Genome Aggregation Database). Based on the available information, this variant is classified as pathogenic.

Women's Health and Genetics/Laboratory Corporation of America, LabCorp
Classification: Pathogenic for Hereditary breast ovarian cancer syndrome. Last evaluated: 2022-05-31. Review status: criteria provided, single submitter. Criteria: LabCorp Variant Classification Summary - May 2015. Collection method: clinical testing. Allele origin: germline. Not counted in ClinVar's aggregate classification.
Comment: Variant summary: BRCA1 c.3672delC (p.Cys1225AlafsX10) results in a premature termination codon, predicted to cause a truncation of the encoded protein or absence of the protein due to nonsense mediated decay, which are commonly known mechanisms for disease. Truncations downstream of this position have been classified as pathogenic by our laboratory. The variant was absent in 251296 control chromosomes. c.3672delC has been reported in the literature in individuals affected with Hereditary Breast And Ovarian Cancer Syndrome (example, Rebbeck_2018). Five clinical diagnostic laboratories, an expert panel (ENIGMA) and a consortium (CIMBA) have submitted clinical-significance assessments for this variant to ClinVar after 2014 without evidence for independent evaluation. All submitters classified the variant as pathogenic. Based on the evidence outlined above, the variant was classified as pathogenic.

Color Diagnostics, LLC DBA Color Health
Classification: Pathogenic for Hereditary cancer-predisposing syndrome. Last evaluated: 2021-01-07. Review status: criteria provided, single submitter. Criteria: ACMG Guidelines, 2015. Collection method: clinical testing. Allele origin: germline. Not counted in ClinVar's aggregate classification.
Comment: This variant deletes 1 nucleotide in exon 10 of the BRCA1 gene, creating a frameshift and premature translation stop signal. This variant is expected to result in an absent or non-functional protein product. To our knowledge, this variant has not been reported in individuals affected with hereditary cancer in the literature. This variant has not been identified in the general population by the Genome Aggregation Database (gnomAD). Loss of BRCA1 function is a known mechanism of disease. Based on the available evidence, this variant is classified as Pathogenic.

Genetics and Molecular Pathology, SA Pathology
Classification: Pathogenic for Peritoneum cancer. Last evaluated: 2020-10-07. Review status: criteria provided, single submitter. Criteria: ACMG Guidelines, 2015. Collection method: clinical testing. Allele origin: germline. Affected: yes. Not counted in ClinVar's aggregate classification.
Comment: The BRCA1 c.3672delC variant is classified as Pathogenic (PVS1, PM2, PP5) This BRCA1 c.3672delC variant is located in exon Missing Exon and is predicted to cause a shift in the reading frame at codon 1225. This variant is absent from population databases (PM2). Absent from gnomAD The variant has been reported in dbSNP (rs398122677) and has been reported as Pathogenic by other diagnostic laboratories (ClinVar Variation ID: 91612).

GeneDx
Classification: Pathogenic. Last evaluated: 2016-06-30. Review status: criteria provided, single submitter. Criteria: GeneDx Variant Classification (06012015). Collection method: clinical testing. Allele origin: germline. Affected: yes. Not counted in ClinVar's aggregate classification.
Comment: This deletion of one nucleotide in BRCA1 is denoted c.3672delC at the cDNA level and p.Cys1225AlafsX10 (C1225AfsX10) at the protein level. The normal sequence, with the base that is deleted in braces, is TTCC[C]TGCT. The deletion causes a frameshift which changes a Cysteine to an Alanine at codon 1225, and creates a premature stop codon at position 10 of the new reading frame. Using alternate nomenclature, this variant would be defined as BRCA1 3791delC. Although this variant has not, to our knowledge, been reported in the literature, it is predicted to cause loss of normal protein function through either protein truncation or nonsense-mediated mRNA decay. We consider this variant to be pathogenic.

Consortium of Investigators of Modifiers of BRCA1/2 (CIMBA), c/o University of Cambridge
Classification: Pathogenic for Breast-ovarian cancer, familial, susceptibility to, 1. Last evaluated: 2015-10-02. Review status: criteria provided, single submitter. Criteria: CIMBA Mutation Classification guidelines May 2016. Collection method: clinical testing. Allele origin: germline. Not counted in ClinVar's aggregate classification.

Sharing Clinical Reports Project (SCRP)
Classification: Pathogenic for Breast-ovarian cancer, familial 1. Last evaluated: 2012-12-27. Review status: no assertion criteria provided. Collection method: clinical testing. Allele origin: germline. Not counted in ClinVar's aggregate classification.

Literature cited by the submitters: PubMed 20104584 (cited by Labcorp Genetics (formerly Invitae), Labcorp); PubMed 29446198 (cited by Quest Diagnostics Nichols Institute San Juan Capistrano and Women's Health and Genetics/Laboratory Corporation of America, LabCorp); PubMed 31853058 (cited by Quest Diagnostics Nichols Institute San Juan Capistrano).